The following is an entry in ClinVar:

ClinVar aggregate classification (germline): Likely benign (1 of 4 stars; one submission).

Allele frequency attached by ClinVar (database versions not stated): gnomAD exomes below 0.00001.
gnomAD v4.1: 4 of 1,613,986 alleles (0.00025%); highest among the groups gnomAD compares: Non-Finnish European, 0.00034%; no homozygotes.

Submission:

CeGaT Center for Human Genetics Tuebingen
Classification: Likely benign. Last evaluated: 2024-01-01. Review status: criteria provided, single submitter. Criteria: CeGaT Center For Human Genetics Tuebingen Variant Classification Criteria Version 2. Collection method: clinical testing. Allele origin: germline. Affected: yes. Observed: 1 variant allele.
Comment: TDP2: BP4

NM_016614.3(TDP2):c.772A>G (p.Ile258Val)

Gene: TDP2 (tyrosyl-DNA phosphodiesterase 2; minus strand). Cytogenetic location: 6p22.3.
Variant type: single nucleotide variant.
Coding change: c.772A>G on transcript NM_016614.3 (MANE Select); coding-DNA position 772, A replaced by G.
Protein change: p.Ile258Val; replaces isoleucine 258 with valine.
Molecular consequence: missense variant.
Genome position (GRCh38, 1-based): chr6:24,653,018, T>C on the plus strand (A>G on the coding strand, the complement: TDP2 is on the minus strand). VCF-style: chr6-24653018-T-C. GRCh37 (hg19) VCF-style: chr6-24653246-T-C.
Other names: short protein forms I258V.
Identifiers: ClinVar variation 3026952 (VCV003026952.22), dbSNP rs1396365352, ClinGen allele CA362985551.